The following is an entry in ClinVar:

ClinVar aggregate classification (germline): Uncertain significance (1 of 4 stars; one submission).

Conditions:
Ehlers-Danlos syndrome, classic type, 1 (EDSCL1). Also called: EHLERS-DANLOS SYNDROME, GRAVIS TYPE; EHLERS-DANLOS SYNDROME, SEVERE CLASSIC TYPE; Ehlers-Danlos syndrome, type 1; Ehlers-Danlos Syndrome, Classic Type, COL5A1-Related; EDS I. Identifiers: MedGen C0268335, MONDO:0019567, OMIM 130000.

Submission:

Labcorp Genetics (formerly Invitae), Labcorp
Classification: Uncertain significance for Ehlers-Danlos syndrome, classic type, 1. Last evaluated: 2024-03-09. Review status: criteria provided, single submitter. Criteria: Invitae Variant Classification Sherloc (09022015). Collection method: clinical testing. Allele origin: germline.
Comment: This sequence change replaces leucine, which is neutral and non-polar, with arginine, which is basic and polar, at codon 116 of the COL5A1 protein (p.Leu116Arg). This variant is not present in population databases (gnomAD no frequency). This variant has not been reported in the literature in individuals affected with COL5A1-related conditions. Advanced modeling of protein sequence and biophysical properties (such as structural, functional, and spatial information, amino acid conservation, physicochemical variation, residue mobility, and thermodynamic stability) has been performed at Invitae for this missense variant, however the output from this modeling did not meet the statistical confidence thresholds required to predict the impact of this variant on COL5A1 protein function. In summary, the available evidence is currently insufficient to determine the role of this variant in disease. Therefore, it has been classified as a Variant of Uncertain Significance.

NM_000093.5(COL5A1):c.347T>G (p.Leu116Arg)

Gene: COL5A1 (collagen type V alpha 1 chain; plus strand). Cytogenetic location: 9q34.3.
Variant type: single nucleotide variant.
Coding change: c.347T>G on transcript NM_000093.5 (MANE Select); coding-DNA position 347, T replaced by G.
Protein change: p.Leu116Arg; replaces leucine 116 with arginine.
Molecular consequence: missense variant.
Genome position (GRCh38, 1-based): chr9:134,699,978, T>G. VCF-style: chr9-134699978-T-G. GRCh37 (hg19) VCF-style: chr9-137591824-T-G.
Other names: c.347T>G, p.Leu116Arg (NM_001278074.1); short protein forms L116R.
Identifiers: ClinVar variation 3694634 (VCV003694634.2).